The following is an entry in ClinVar:

NM_018706.7(DHTKD1):c.1846A>T (p.Thr616Ser)

Gene: DHTKD1 (dehydrogenase E1 and transketolase domain containing 1; plus strand). Cytogenetic location: 10p14.
Variant type: single nucleotide variant.
Coding change: c.1846A>T on transcript NM_018706.7 (MANE Select); coding-DNA position 1846, A replaced by T.
Protein change: p.Thr616Ser; replaces threonine 616 with serine.
Molecular consequence: missense variant.
Genome position (GRCh38, 1-based): chr10:12,101,131, A>T. VCF-style: chr10-12101131-A-T. GRCh37 (hg19) VCF-style: chr10-12143130-A-T.
Other names: short protein forms T616S.
Identifiers: ClinVar variation 3349444 (VCV003349444.1).

ClinVar aggregate classification (germline): Uncertain significance (0 of 4 stars; one submission).

Conditions:
DHTKD1-related disorder. Also called: DHTKD1-related condition.

Submission:

PreventionGenetics, part of Exact Sciences
Classification: Uncertain significance for DHTKD1-related condition. Last evaluated: 2024-05-08. Review status: no assertion criteria provided. Collection method: clinical testing. Allele origin: germline.
Comment: The DHTKD1 c.1846A>T variant is predicted to result in the amino acid substitution p.Thr616Ser. To our knowledge, this variant has not been reported in the literature or in a large population database, indicating this variant is rare. At this time, the clinical significance of this variant is uncertain due to the absence of conclusive functional and genetic evidence.